The following is an entry in ClinVar:

ClinVar aggregate classification (germline): Benign. Review status: criteria provided, multiple submitters, no conflicts (2 of 4 stars). 14 submissions from 12 submitters: Benign (11). 3 of the submissions do not count toward it. Last evaluated 2026-02-04.

Conditions:
Pontoneocerebellar hypoplasia. Also called: Pontocerebellar hypoplasia; Non-syndromic pontocerebellar hypoplasia. Identifiers: Orphanet 98523, MedGen C1261175, MONDO:0020135.
Pontocerebellar hypoplasia type 5 (PCH5). Also called: Pontocerebellar Hypoplasia Type 5 (PCH5). Identifiers: Orphanet 166068, MedGen C1857762, MONDO:0012438, OMIM 610204.
Pontocerebellar hypoplasia type 4 (PCH4). Also called: Pontocerebellar Hypoplasia Type 4 (PCH4). Identifiers: Orphanet 166063, MedGen C1856974, MONDO:0009166, OMIM 225753.
Pontocerebellar hypoplasia type 2A (PCH2A). Also called: PONTOCEREBELLAR HYPOPLASIA WITH PROGRESSIVE CEREBRAL ATROPHY; VOLENDAM NEURODEGENERATIVE DISEASE. Identifiers: Orphanet 2524, MedGen C1848526, MONDO:0010190, OMIM 277470.

Allele frequency attached by ClinVar (database versions not stated): gnomAD exomes 0.07259; ExAC 0.07482; 1000 Genomes Project 0.09585; gnomAD 0.09719 and 0.09934; 1000 Genomes Project 30x 0.09838; ESP Exome Variant Server 0.10080; TOPMed 0.10193.
gnomAD v4.1: 116,892 of 1,613,612 alleles (7.2%); highest among the groups gnomAD compares: African/African-American, 18%; 5,068 homozygotes.

Submissions (30):

Labcorp Genetics (formerly Invitae), Labcorp
Classification: Benign. Last evaluated: 2026-02-04. Review status: criteria provided, single submitter. Criteria: Invitae Variant Classification Sherloc (09022015). Collection method: clinical testing. Allele origin: germline.

Blueprint Genetics
Classification: Benign. Last evaluated: 2024-11-28. Review status: criteria provided, single submitter. Criteria: ACMG Guidelines, 2015. Collection method: clinical testing. Allele origin: germline.

Genome-Nilou Lab
Classification: Benign for Pontocerebellar hypoplasia type 5. Last evaluated: 2021-09-10. Review status: criteria provided, single submitter. Criteria: ACMG Guidelines, 2015. Collection method: clinical testing. Allele origin: germline. Affected: no.

Genome-Nilou Lab
Classification: Benign for Pontocerebellar hypoplasia type 2A. Last evaluated: 2021-09-10. Review status: criteria provided, single submitter. Criteria: ACMG Guidelines, 2015. Collection method: clinical testing. Allele origin: germline. Affected: no.

Genome-Nilou Lab
Classification: Benign for Pontocerebellar hypoplasia type 4. Last evaluated: 2021-09-10. Review status: criteria provided, single submitter. Criteria: ACMG Guidelines, 2015. Collection method: clinical testing. Allele origin: germline. Affected: no.

Victorian Clinical Genetics Services, Murdoch Childrens Research Institute
Classification: Benign for Pontocerebellar hypoplasia type 2A. Last evaluated: 2020-10-19. Review status: criteria provided, single submitter. Criteria: ACMG Guidelines, 2015. Collection method: clinical testing. Allele origin: germline. Inheritance: Autosomal recessive inheritance.
Comment: Based on the classification scheme VCGS_Germline_v1.3.3, this variant is classified as Benign. Following criteria are met: 0102 - Loss of function is a likely mechanism of disease in this gene and is associated with pontocerebellar hypoplasia type 2A (MIM#277470) and type 4 (MIM#225753). (I) 0106 - This gene is associated with autosomal recessive disease. (I) 0200 - Variant is predicted to result in a missense amino acid change from isoleucine to leucine. (I) 0251 - This variant is heterozygous. (I) 0307 - Variant is present in gnomAD (v2) at a frequency >=0.05 (19200 heterozygotes, 1035 homozygotes). (SB) 0503 - Missense variant consistently predicted to be tolerated by multiple in silico tools or not conserved in placental mammals with a minor amino acid change. (SB) 0600 - Variant is located in the annotated endA superfamily domain (NCBI Conserved Domain). (I) 0805 - This variant has strong previous evidence of being benign in unrelated individuals. (ClinVar). (SB) 1208 - Inheritance information for this variant is not currently available in this individual. (I) Legend: (SP) - Supporting pathogenic, (I) - Information, (SB) - Supporting benign

Illumina Laboratory Services, Illumina
Classification: Benign for Pontoneocerebellar hypoplasia. Last evaluated: 2018-01-13. Review status: criteria provided, single submitter. Criteria: ICSL Variant Classification Criteria 13 December 2019. Collection method: clinical testing. Allele origin: germline.
Comment: This variant was observed in the ICSL laboratory as part of a predisposition screen in an ostensibly healthy population. It had not been previously curated by ICSL or reported in the Human Gene Mutation Database (HGMD: prior to June 1st, 2018), and was therefore a candidate for classification through an automated scoring system. Utilizing variant allele frequency, disease prevalence and penetrance estimates, and inheritance mode, an automated score was calculated to assess if this variant is too frequent to cause the disease. Based on the score and internal cut-off values, a variant classified as benign is not then subjected to further curation. The score for this variant resulted in a classification of benign for this disease.

GeneDx
Classification: Benign. Last evaluated: 2015-03-03. Review status: criteria provided, single submitter. Criteria: GeneDx Variant Classification Process June 2021. Collection method: clinical testing. Allele origin: germline. Affected: yes.

Genetic Services Laboratory, University of Chicago
Classification: Benign. Last evaluated: 2013-02-08. Review status: criteria provided, single submitter. Criteria: ACMG Guidelines, 2007. Collection method: clinical testing. Allele origin: germline. Inheritance: Autosomal recessive inheritance.

Breakthrough Genomics
Classification: Benign. Review status: criteria provided, single submitter. Criteria: ACMG Guidelines, 2015. Collection method: not provided. Allele origin: germline. Inheritance: Autosomal recessive inheritance. Affected: yes.

PreventionGenetics, part of Exact Sciences
Classification: Benign. Review status: criteria provided, single submitter. Criteria: ACMG Guidelines, 2015. Collection method: clinical testing. Allele origin: germline.

Clinical Genetics DNA and cytogenetics Diagnostics Lab, Erasmus MC, Erasmus Medical Center
Classification: Benign. Review status: no assertion criteria provided. Collection method: clinical testing. Allele origin: germline. Affected: yes. Study: VKGL Data-share Consensus. Not counted in ClinVar's aggregate classification.

Clinical Genetics, Academic Medical Center
Classification: Benign. Review status: no assertion criteria provided. Collection method: clinical testing. Allele origin: germline. Affected: yes. Study: VKGL Data-share Consensus. Not counted in ClinVar's aggregate classification.

Diagnostic Laboratory, Department of Genetics, University Medical Center Groningen
Classification: Benign. Review status: no assertion criteria provided. Collection method: clinical testing. Allele origin: germline. Affected: yes. Study: VKGL Data-share Consensus. Not counted in ClinVar's aggregate classification.

Dr. Peter K. Rogan Lab, Western University
No classification provided (evidence only). Condition: Colorectal cancer. Review status: no classification provided. Collection method: in vitro. Allele origin: not applicable. Functional consequence: retained intron. Not counted in ClinVar's aggregate classification.

Dr. Peter K. Rogan Lab, Western University
No classification provided (evidence only). Condition: Colorectal cancer. Review status: no classification provided. Collection method: in vitro. Allele origin: not applicable. Functional consequence: cryptic splice site. Not counted in ClinVar's aggregate classification.

Dr. Peter K. Rogan Lab, Western University
No classification provided (evidence only). Condition: Malignant lymphoma, large B-cell, diffuse. Review status: no classification provided. Collection method: in vitro. Allele origin: not applicable. Functional consequence: retained intron. Not counted in ClinVar's aggregate classification.

Dr. Peter K. Rogan Lab, Western University
No classification provided (evidence only). Condition: Thymoma. Review status: no classification provided. Collection method: in vitro. Allele origin: not applicable. Functional consequence: cryptic splice site. Not counted in ClinVar's aggregate classification.

Dr. Peter K. Rogan Lab, Western University
No classification provided (evidence only). Condition: Thymoma. Review status: no classification provided. Collection method: in vitro. Allele origin: not applicable. Functional consequence: retained intron. Not counted in ClinVar's aggregate classification.

Dr. Peter K. Rogan Lab, Western University
No classification provided (evidence only). Condition: Thymoma. Review status: no classification provided. Collection method: in vitro. Allele origin: not applicable. Functional consequence: retained intron. Not counted in ClinVar's aggregate classification.

Dr. Peter K. Rogan Lab, Western University
No classification provided (evidence only). Condition: Cholangiocarcinoma. Review status: no classification provided. Collection method: in vitro. Allele origin: not applicable. Functional consequence: retained intron. Not counted in ClinVar's aggregate classification.

Dr. Peter K. Rogan Lab, Western University
No classification provided (evidence only). Condition: Cholangiocarcinoma. Review status: no classification provided. Collection method: in vitro. Allele origin: not applicable. Functional consequence: cryptic splice site. Not counted in ClinVar's aggregate classification.

Dr. Peter K. Rogan Lab, Western University
No classification provided (evidence only). Condition: Cholangiocarcinoma. Review status: no classification provided. Collection method: in vitro. Allele origin: not applicable. Functional consequence: cryptic splice site. Not counted in ClinVar's aggregate classification.

Dr. Peter K. Rogan Lab, Western University
No classification provided (evidence only). Condition: Adrenocortical carcinoma, hereditary. Review status: no classification provided. Collection method: in vitro. Allele origin: not applicable. Functional consequence: retained intron. Not counted in ClinVar's aggregate classification.

Dr. Peter K. Rogan Lab, Western University
No classification provided (evidence only). Condition: Adrenocortical carcinoma, hereditary. Review status: no classification provided. Collection method: in vitro. Allele origin: not applicable. Functional consequence: retained intron. Not counted in ClinVar's aggregate classification.

Dr. Peter K. Rogan Lab, Western University
No classification provided (evidence only). Condition: Adrenocortical carcinoma, hereditary. Review status: no classification provided. Collection method: in vitro. Allele origin: not applicable. Functional consequence: retained intron. Not counted in ClinVar's aggregate classification.

Dr. Peter K. Rogan Lab, Western University
No classification provided (evidence only). Condition: Adrenocortical carcinoma, hereditary. Review status: no classification provided. Collection method: in vitro. Allele origin: not applicable. Functional consequence: retained intron. Not counted in ClinVar's aggregate classification.

Dr. Peter K. Rogan Lab, Western University
No classification provided (evidence only). Condition: Uterine carcinosarcoma. Review status: no classification provided. Collection method: in vitro. Allele origin: not applicable. Functional consequence: retained intron. Not counted in ClinVar's aggregate classification.

Dr. Peter K. Rogan Lab, Western University
No classification provided (evidence only). Condition: Uveal melanoma. Review status: no classification provided. Collection method: in vitro. Allele origin: not applicable. Functional consequence: retained intron. Not counted in ClinVar's aggregate classification.

Dr. Peter K. Rogan Lab, Western University
No classification provided (evidence only). Condition: Lymphoma. Review status: no classification provided. Collection method: in vitro. Allele origin: not applicable. Functional consequence: cryptic splice site. Not counted in ClinVar's aggregate classification.

NM_207346.3(TSEN54):c.409A>C (p.Ile137Leu)

Gene: TSEN54 (tRNA splicing endonuclease subunit 54; plus strand). Cytogenetic location: 17q25.1.
Variant type: single nucleotide variant.
Coding change: c.409A>C on transcript NM_207346.3 (MANE Select); coding-DNA position 409, A replaced by C.
Protein change: p.Ile137Leu; replaces isoleucine 137 with leucine.
Molecular consequence: missense variant.
Genome position (GRCh38, 1-based): chr17:75,517,596, A>C. VCF-style: chr17-75517596-A-C. GRCh37 (hg19) VCF-style: chr17-73513677-A-C.
Other names: short protein forms I137L.
Identifiers: ClinVar variation 160134 (VCV000160134.31), dbSNP rs11559205, ClinGen allele CA173732.